The following is an entry in ClinVar:

ClinVar aggregate classification (germline): Uncertain significance (1 of 4 stars; one submission).

Allele frequency attached by ClinVar (database versions not stated): TOPMed 0.00001.
gnomAD v4.1: 1 of 1,492,802 alleles (0.000067%); highest among the groups gnomAD compares: Admixed American, 0.0022%; no homozygotes.

Submission:

Labcorp Genetics (formerly Invitae), Labcorp
Classification: Uncertain significance. Last evaluated: 2023-08-10. Review status: criteria provided, single submitter. Criteria: Invitae Variant Classification Sherloc (09022015). Collection method: clinical testing. Allele origin: germline.
Comment: This sequence change replaces serine, which is neutral and polar, with threonine, which is neutral and polar, at codon 70 of the SORL1 protein (p.Ser70Thr). In summary, the available evidence is currently insufficient to determine the role of this variant in disease. Therefore, it has been classified as a Variant of Uncertain Significance. An algorithm developed to predict the effect of missense changes on protein structure and function (PolyPhen-2) suggests that this variant is likely to be tolerated. ClinVar contains an entry for this variant (Variation ID: 1927206). This variant has not been reported in the literature in individuals affected with SORL1-related conditions. This variant is present in population databases (no rsID available, gnomAD 0.006%).

NM_003105.6(SORL1):c.209G>C (p.Ser70Thr)

Genes: SORL1 (sortilin related receptor 1; plus strand), SORL1-AS1 (SORL1 antisense RNA 1; minus strand). Cytogenetic location: 11q24.1.
Variant type: single nucleotide variant.
Coding change: c.209G>C on transcript NM_003105.6 (MANE Select); coding-DNA position 209, G replaced by C.
Protein change: p.Ser70Thr; replaces serine 70 with threonine.
Molecular consequence: missense variant.
Genome position (GRCh38, 1-based): chr11:121,452,540, G>C. VCF-style: chr11-121452540-G-C. GRCh37 (hg19) VCF-style: chr11-121323249-G-C.
Other names: short protein forms S70T.
Identifiers: ClinVar variation 1927206 (VCV001927206.5), dbSNP rs1279928761, ClinGen allele CA383283871.